The following is an entry in ClinVar:

ClinVar aggregate classification (germline): Uncertain significance (1 of 4 stars; one submission).

Conditions:
Familial hemophagocytic lymphohistiocytosis 5. Also called: STXBP2-Related Familial Hemophagocytic Lymphohistiocytosis (STXBP2-fHLH). Identifiers: Orphanet 540, MedGen C2751293, MONDO:0013135, OMIM 613101.

Allele frequency attached by ClinVar (database versions not stated): gnomAD exomes below 0.00001 and 0.00001; TOPMed 0.00001; ExAC 0.00004.
gnomAD v4.1: 8 of 1,594,788 alleles (0.0005%); highest among the groups gnomAD compares: Non-Finnish European, 0.00068%; no homozygotes.

Submission:

Labcorp Genetics (formerly Invitae), Labcorp
Classification: Uncertain significance for Familial hemophagocytic lymphohistiocytosis 5. Last evaluated: 2021-08-20. Review status: criteria provided, single submitter. Criteria: Invitae Variant Classification Sherloc (09022015). Collection method: clinical testing. Allele origin: germline.
Comment: This sequence change falls in intron 16 of the STXBP2 gene. It does not directly change the encoded amino acid sequence of the STXBP2 protein. This variant is present in population databases (rs768298110, ExAC 0.007%). This variant has not been reported in the literature in individuals affected with STXBP2-related conditions. Algorithms developed to predict the effect of sequence changes on RNA splicing suggest that this variant may create or strengthen a splice site. In summary, the available evidence is currently insufficient to determine the role of this variant in disease. Therefore, it has been classified as a Variant of Uncertain Significance.

NM_006949.4(STXBP2):c.1452+12C>T

Gene: STXBP2 (syntaxin binding protein 2; plus strand). Cytogenetic location: 19p13.2.
Variant type: single nucleotide variant.
Coding change: c.1452+12C>T on transcript NM_006949.4 (MANE Select); 12 bases into the intron after coding-DNA position 1452, C replaced by T.
Molecular consequence: intron variant.
Genome position (GRCh38, 1-based): chr19:7,646,356, C>T. VCF-style: chr19-7646356-C-T. GRCh37 (hg19) VCF-style: chr19-7711242-C-T.
Other names: c.1485+12C>T (NM_001272034.2); c.1443+12C>T (NM_001127396.3).
Identifiers: ClinVar variation 1362274 (VCV001362274.6), dbSNP rs768298110, ClinGen allele CA9144160.